The following is an entry in ClinVar:

ClinVar aggregate classification (germline): Conflicting classifications of pathogenicity. Review status: criteria provided, conflicting classifications (1 of 4 stars). 9 submissions from 9 submitters: Uncertain significance (2); Likely benign (4). 3 of the submissions do not count toward it. Last evaluated 2026-04-01.

Conditions:
PLEKHG5-related disorder. Also called: PLEKHG5-related condition.
Charcot-Marie-Tooth disease recessive intermediate C. Also called: CHARCOT-MARIE-TOOTH NEUROPATHY, RECESSIVE INTERMEDIATE C. Identifiers: Orphanet 369867, MedGen C3809309, MONDO:0014154, OMIM 615376.
Neuronopathy, distal hereditary motor, autosomal recessive 4. Also called: Autosomal recessive lower motor neuron disease with childhood onset; NEUROPATHY, DISTAL HEREDITARY MOTOR, AUTOSOMAL RECESSIVE 4. Identifiers: Orphanet 206580, MedGen C1970211, MONDO:0012608, OMIM 611067.
Inborn genetic diseases. Identifiers: MedGen C0950123, MeSH D030342.

Allele frequency attached by ClinVar (database versions not stated): ESP Exome Variant Server 0.00077; gnomAD 0.00108 and 0.00113; ExAC 0.00109; gnomAD exomes 0.00115; TOPMed 0.00128; 1000 Genomes Project 30x 0.00156; 1000 Genomes Project 0.00160.
gnomAD v4.1: 1,654 of 1,611,774 alleles (0.1%); highest among the groups gnomAD compares: East Asian, 0.74%; 5 homozygotes.

Submissions (9):

CeGaT Center for Human Genetics Tuebingen
Classification: Likely benign. Last evaluated: 2026-04-01. Review status: criteria provided, single submitter. Criteria: CeGaT Center For Human Genetics Tuebingen Variant Classification Criteria Version 2. Collection method: clinical testing. Allele origin: germline. Affected: yes. Observed: 4 variant alleles.
Comment: PLEKHG5: BS2

Labcorp Genetics (formerly Invitae), Labcorp
Classification: Likely benign for Neuronopathy, distal hereditary motor, autosomal recessive 4; Charcot-Marie-Tooth disease recessive intermediate C. Last evaluated: 2026-02-01. Review status: criteria provided, single submitter. Criteria: Invitae Variant Classification Sherloc (09022015). Collection method: clinical testing. Allele origin: germline.

GeneDx
Classification: Uncertain significance. Last evaluated: 2022-05-20. Review status: criteria provided, single submitter. Criteria: GeneDx Variant Classification Process June 2021. Collection method: clinical testing. Allele origin: germline. Affected: yes.
Comment: Identified in patients with amyotrophic lateral sclerosis in published literature, although some of these individuals had variants in other motor neuron disease-related genes and additional clinical information was not included (Nishiyama et al., 2017); In silico analysis supports that this missense variant has a deleterious effect on protein structure/function; This variant is associated with the following publications: (PMID: 31879078, 28160950)

Ambry Genetics
Classification: Likely benign for Inborn genetic diseases. Last evaluated: 2019-11-12. Review status: criteria provided, single submitter. Criteria: Ambry Variant Classification Scheme 2023. Collection method: clinical testing. Allele origin: germline.

Baylor Genetics
Classification: Uncertain significance for Charcot-Marie-Tooth disease recessive intermediate C. Last evaluated: 2019-07-03. Review status: criteria provided, single submitter. Criteria: ACMG Guidelines, 2015. Collection method: clinical testing. Allele origin: unknown. Affected: yes.
Comment: This variant was determined to be of uncertain significance according to ACMG Guidelines, 2015 [PMID:25741868].

Illumina Laboratory Services, Illumina
Classification: Likely benign for Neuronopathy, distal hereditary motor, autosomal recessive 4. Last evaluated: 2018-01-12. Review status: criteria provided, single submitter. Criteria: ICSL Variant Classification Criteria 13 December 2019. Collection method: clinical testing. Allele origin: germline.
Comment: This variant was observed in the ICSL laboratory as part of a predisposition screen in an ostensibly healthy population. It had not been previously curated by ICSL or reported in the Human Gene Mutation Database (HGMD: prior to June 1st, 2018), and was therefore a candidate for classification through an automated scoring system. Utilizing variant allele frequency, disease prevalence and penetrance estimates, and inheritance mode, an automated score was calculated to assess if this variant is too frequent to cause the disease. Based on the score and internal cut-off values, a variant classified as likely benign is not then subjected to further curation. The score for this variant resulted in a classification of likely benign for this disease.

PreventionGenetics, part of Exact Sciences
Classification: Likely benign for PLEKHG5-related condition. Last evaluated: 2024-04-04. Review status: no assertion criteria provided. Collection method: clinical testing. Allele origin: germline. Not counted in ClinVar's aggregate classification.
Comment: This variant is classified as likely benign based on ACMG/AMP sequence variant interpretation guidelines (Richards et al. 2015 PMID: 25741868, with internal and published modifications).

Clinical Genetics, Academic Medical Center
Classification: Uncertain significance. Review status: no assertion criteria provided. Collection method: clinical testing. Allele origin: germline. Affected: yes. Study: VKGL Data-share Consensus. Not counted in ClinVar's aggregate classification.

Genome Diagnostics Laboratory, University Medical Center Utrecht
Classification: Uncertain significance. Review status: no assertion criteria provided. Collection method: clinical testing. Allele origin: germline. Affected: yes. Study: VKGL Data-share Consensus. Not counted in ClinVar's aggregate classification.

NM_020631.6(PLEKHG5):c.994C>T (p.Arg332Trp)

Gene: PLEKHG5 (pleckstrin homology and RhoGEF domain containing G5; minus strand). Cytogenetic location: 1p36.31.
Variant type: single nucleotide variant.
Coding change: c.994C>T on transcript NM_020631.6 (MANE Select); coding-DNA position 994, C replaced by T.
Protein change: p.Arg332Trp; replaces arginine 332 with tryptophan.
Molecular consequence: missense variant.
Genome position (GRCh38, 1-based): chr1:6,472,613, G>A on the plus strand (C>T on the coding strand, the complement: PLEKHG5 is on the minus strand). VCF-style: chr1-6472613-G-A. GRCh37 (hg19) VCF-style: chr1-6532673-G-A.
Other names: c.1105C>T, p.Arg369Trp (NM_001042663.3, NM_001265592.2); c.994C>T, p.Arg332Trp (NM_001042664.2, NM_001042665.2, NM_001265594.3 and 1 more transcripts); c.1201C>T, p.Arg401Trp (NM_001265593.2); short protein forms R332W, R401W, R369W.
Identifiers: ClinVar variation 245662 (VCV000245662.67), dbSNP rs140202670, ClinGen allele CA561679.